The following is an entry in ClinVar:

NM_001349253.2(SCN11A):c.923C>T (p.Pro308Leu)

Gene: SCN11A (sodium voltage-gated channel alpha subunit 11; minus strand). Cytogenetic location: 3p22.2.
Variant type: single nucleotide variant.
Coding change: c.923C>T on transcript NM_001349253.2 (MANE Select); coding-DNA position 923, C replaced by T.
Protein change: p.Pro308Leu; replaces proline 308 with leucine.
Molecular consequence: missense variant.
Genome position (GRCh38, 1-based): chr3:38,919,971, G>A on the plus strand (C>T on the coding strand, the complement: SCN11A is on the minus strand). VCF-style: chr3-38919971-G-A. GRCh37 (hg19) VCF-style: chr3-38961462-G-A.
Other names: c.923C>T, p.Pro308Leu (NM_014139.3); c.923C>T (NM_014139.2); short protein forms P308L.
Identifiers: ClinVar variation 1397095 (VCV001397095.8), dbSNP rs751477540, ClinGen allele CA2322464.

ClinVar aggregate classification (germline): Conflicting classifications of pathogenicity. Review status: criteria provided, conflicting classifications (1 of 4 stars). 3 submissions from 3 submitters: Uncertain significance (2); Likely benign (1). Last evaluated 2025-09-17.

Conditions:
Inborn genetic diseases. Identifiers: MedGen C0950123, MeSH D030342.
Hereditary sensory and autonomic neuropathy type 7. Also called: HSAN VII; Neuropathy, hereditary sensory and autonomic, type VII. Identifiers: Orphanet 391397, MedGen C3809882, MONDO:0014244, OMIM 615548.
Familial episodic pain syndrome with predominantly lower limb involvement. Also called: Episodic pain syndrome, familial, 3. Identifiers: Orphanet 391384, Orphanet 391392, MedGen C3809899, MONDO:0014247, OMIM 615552.
SCN11A-related disorder. Also called: SCN11A-related condition.

Allele frequency attached by ClinVar (database versions not stated): ExAC 0.00001; TOPMed 0.00003; gnomAD 0.00007 and 0.00008.
gnomAD v4.1: 65 of 1,613,322 alleles (0.004%); highest among the groups gnomAD compares: East Asian, 0.12%; no homozygotes.

Submissions (3):

PreventionGenetics, part of Exact Sciences
Classification: Uncertain significance for SCN11A-related condition. Last evaluated: 2025-09-17. Review status: criteria provided, single submitter. Criteria: ACMG Guidelines, 2015. Collection method: clinical testing. Allele origin: germline.
Comment: The SCN11A c.923C>T variant is predicted to result in the amino acid substitution p.Pro308Leu. This variant was reported in two individuals with episodic pain syndrome (Noguchi et al. 2024. PubMed ID: 38999942). This variant is reported in 0.016% of alleles in individuals of East Asian descent in gnomAD. At this time, the clinical significance of this variant is uncertain due to the absence of conclusive functional and genetic evidence.

Ambry Genetics
Classification: Likely benign for Inborn genetic diseases. Last evaluated: 2023-09-01. Review status: criteria provided, single submitter. Criteria: Ambry Variant Classification Scheme 2023. Collection method: clinical testing. Allele origin: germline.

Labcorp Genetics (formerly Invitae), Labcorp
Classification: Uncertain significance for Familial episodic pain syndrome with predominantly lower limb involvement; Hereditary sensory and autonomic neuropathy type 7. Last evaluated: 2022-07-06. Review status: criteria provided, single submitter. Criteria: Invitae Variant Classification Sherloc (09022015). Collection method: clinical testing. Allele origin: germline.
Comment: This sequence change replaces proline, which is neutral and non-polar, with leucine, which is neutral and non-polar, at codon 308 of the SCN11A protein (p.Pro308Leu). In summary, the available evidence is currently insufficient to determine the role of this variant in disease. Therefore, it has been classified as a Variant of Uncertain Significance. Algorithms developed to predict the effect of missense changes on protein structure and function (SIFT, PolyPhen-2, Align-GVGD) all suggest that this variant is likely to be tolerated. ClinVar contains an entry for this variant (Variation ID: 1397095). This variant has not been reported in the literature in individuals affected with SCN11A-related conditions. This variant is present in population databases (rs751477540, gnomAD 0.02%).